The following is an entry in ClinVar:

NM_014915.3(ANKRD26):c.3654+1G>A

Gene: ANKRD26 (ankyrin repeat domain containing 26; minus strand). Cytogenetic location: 10p12.1.
Variant type: single nucleotide variant.
Coding change: c.3654+1G>A on transcript NM_014915.3 (MANE Select); the canonical splice donor site of the intron after coding-DNA position 3654, G replaced by A.
Molecular consequence: splice donor variant.
Genome position (GRCh38, 1-based): chr10:27,034,795, C>T on the plus strand (G>A on the coding strand, the complement: ANKRD26 is on the minus strand). VCF-style: chr10-27034795-C-T. GRCh37 (hg19) VCF-style: chr10-27323724-C-T.
Other names: c.3651+1G>A (NM_001256053.2).
Identifiers: ClinVar variation 3362104 (VCV003362104.1).

ClinVar aggregate classification (germline): Uncertain significance (1 of 4 stars; one submission).

gnomAD v4.1: 1 of 1,588,402 alleles (0.000063%); highest among the groups gnomAD compares: Non-Finnish European, 0.000086%; no homozygotes.

Submission:

GeneDx
Classification: Uncertain significance. Last evaluated: 2023-05-30. Review status: criteria provided, single submitter. Criteria: GeneDx Variant Classification Process June 2021. Collection method: clinical testing. Allele origin: germline. Affected: yes.
Comment: Not observed at significant frequency in large population cohorts (gnomAD); Has not been previously published as pathogenic or benign to our knowledge; Canonical splice site variant in a gene for which loss-of-function is not a known mechanism of disease